The following is an entry in ClinVar:

ClinVar aggregate classification (germline): Uncertain significance. Review status: criteria provided, multiple submitters, no conflicts (2 of 4 stars). 2 submissions from 2 submitters: Uncertain significance (2). Last evaluated 2023-09-20.

Allele frequency attached by ClinVar (database versions not stated): gnomAD exomes below 0.00001; TOPMed below 0.00001.

Submissions (2):

Labcorp Genetics (formerly Invitae), Labcorp
Classification: Uncertain significance. Last evaluated: 2023-09-20. Review status: criteria provided, single submitter. Criteria: Invitae Variant Classification Sherloc (09022015). Collection method: clinical testing. Allele origin: germline.
Comment: In summary, the available evidence is currently insufficient to determine the role of this variant in disease. Therefore, it has been classified as a Variant of Uncertain Significance. This variant is not present in population databases (gnomAD no frequency). This sequence change replaces serine, which is neutral and polar, with phenylalanine, which is neutral and non-polar, at codon 855 of the DUOX2 protein (p.Ser855Phe). This variant has not been reported in the literature in individuals affected with DUOX2-related conditions. ClinVar contains an entry for this variant (Variation ID: 392662). Advanced modeling of protein sequence and biophysical properties (such as structural, functional, and spatial information, amino acid conservation, physicochemical variation, residue mobility, and thermodynamic stability) performed at Invitae indicates that this missense variant is expected to disrupt DUOX2 protein function.

GeneDx
Classification: Uncertain significance. Last evaluated: 2019-01-02. Review status: criteria provided, single submitter. Criteria: GeneDx Variant Classification (06012015). Collection method: clinical testing. Allele origin: germline. Affected: yes.
Comment: The S855F variant in the DUOX2 gene has not been reported previously as a pathogenic variant, nor as a benign variant, to our knowledge. The S855F variant was not observed in approximately 6,500 individuals of European and African American ancestry in the NHLBI Exome Sequencing Project, indicating it is not a common benign variant in these populations. The S855F variant is a non-conservative amino acid substitution, which is likely to impact secondary protein structure as these residues differ in polarity, charge, size and/or other properties. This substitution occurs at a position where amino acids with similar properties to Serine are tolerated across species. In silico analysis predicts this variant is probably damaging to the protein structure/function. We interpret S855F as a variant of uncertain significance.

NM_001363711.2(DUOX2):c.2564C>T (p.Ser855Phe)

Gene: DUOX2 (dual oxidase 2; minus strand). Cytogenetic location: 15q21.1.
Variant type: single nucleotide variant.
Coding change: c.2564C>T on transcript NM_001363711.2 (MANE Select); coding-DNA position 2564, C replaced by T.
Protein change: p.Ser855Phe; replaces serine 855 with phenylalanine.
Molecular consequence: missense variant.
Genome position (GRCh38, 1-based): chr15:45,104,050, G>A on the plus strand (C>T on the coding strand, the complement: DUOX2 is on the minus strand). VCF-style: chr15-45104050-G-A. GRCh37 (hg19) VCF-style: chr15-45396248-G-A.
Other names: c.2564C>T, p.Ser855Phe (NM_014080.5); short protein forms S855F.
Identifiers: ClinVar variation 392662 (VCV000392662.7), dbSNP rs1051450369, ClinGen allele CA16607791.
Genomic context (GRCh38, chr15:45,104,050, plus strand): 5'-AGGAAGCCATTCTCATCCAGGTCATACATGGTAAACATTAGACGGGACTTATCCTCTGGG[G>A]AGCCTGGGAAGAAAAAAGGGAATGCAGGTCATCTCCTTGCTGAAAGACCCCTGGATTCTT-3'
Protein context (NP_001350640.1, residues 845-865): LDILVVFMKG[Ser855Phe]PEDKSRLMFT